The following is an entry in ClinVar:

NM_007294.4(BRCA1):c.3956G>A (p.Gly1319Asp)

Genes: BRCA1 (BRCA1 DNA repair associated; minus strand), LOC126862571 (BRD4-independent group 4 enhancer GRCh37_chr17:41243136-41244335; plus strand). Cytogenetic location: 17q21.31.
Variant type: single nucleotide variant.
Coding change: c.3956G>A on transcript NM_007294.4 (MANE Select); coding-DNA position 3956, G replaced by A.
Protein change: p.Gly1319Asp; replaces glycine 1319 with aspartic acid.
Molecular consequence: missense variant. On other transcripts: intron variant (135).
Genome position (GRCh38, 1-based): chr17:43,091,575, C>T on the plus strand (G>A on the coding strand, the complement: BRCA1 is on the minus strand). VCF-style: chr17-43091575-C-T. GRCh37 (hg19) VCF-style: chr17-41243592-C-T.
Other names: c.3956G>A, p.Gly1319Asp (NM_001407583.1, NM_001407585.1, NM_001407593.1 and 30 more transcripts); c.3953G>A, p.Gly1318Asp (NM_001407587.1, NM_001407590.1, NM_001407591.1 and 22 more transcripts); c.3947G>A, p.Gly1316Asp (NM_001407646.1, NM_001407647.1); c.3833G>A, p.Gly1278Asp (NM_001407648.1, NM_001407664.1, NM_001407665.1 and 19 more transcripts); c.3830G>A, p.Gly1277Asp (NM_001407649.1, NM_001407670.1, NM_001407671.1 and 11 more transcripts); c.3878G>A, p.Gly1293Asp (NM_001407653.1, NM_001407654.1, NM_001407655.1 and 4 more transcripts); c.3875G>A, p.Gly1292Asp (NM_001407659.1, NM_001407660.1, NM_001407661.1 and 1 more transcripts); c.3815G>A, p.Gly1272Asp (NM_001407692.1, NM_001407694.1, NM_001407695.1 and 29 more transcripts); and 41 more; short protein forms G1319D, G1272D, G1023D, G1192D, G1231D, G1249D, G1252D, G1292D.
Identifiers: ClinVar variation 142673 (VCV000142673.19), dbSNP rs587782634, ClinGen allele CA002533.

ClinVar aggregate classification (germline): Conflicting classifications of pathogenicity. Review status: criteria provided, conflicting classifications (1 of 4 stars). 4 submissions from 4 submitters: Uncertain significance (2); Likely benign (2). Last evaluated 2025-04-07.

Conditions:
Hereditary cancer-predisposing syndrome. Also called: Hereditary Cancer Syndrome; Neoplastic Syndromes, Hereditary; Hereditary neoplastic syndrome; Tumor predisposition. Identifiers: Orphanet 140162, MedGen C0027672, MeSH D009386, MONDO:0015356.
Hereditary breast ovarian cancer syndrome. Also called: BRCA1- and BRCA2-Associated Hereditary Breast and Ovarian Cancer; Hereditary breast and ovarian cancer syndrome; Hereditary breast and/or ovarian cancer syndrome; Breast and ovarian cancer; Hereditary breast and ovarian cancer; Hereditary breast and ovarian cancer syndrome (HBOC). Identifiers: Orphanet 145, MedGen C0677776, MeSH D061325, MONDO:0003582. Disease mechanism: loss of function.

Allele frequency attached by ClinVar (database versions not stated): TOPMed below 0.00001; gnomAD 0.00001.
gnomAD v4.1: 1 of 1,614,054 alleles (0.000062%); highest among the groups gnomAD compares: African/African-American, 0.0013%; no homozygotes.

Submissions (4):

Women's Health and Genetics/Laboratory Corporation of America, LabCorp
Classification: Uncertain significance. Last evaluated: 2025-04-07. Review status: criteria provided, single submitter. Criteria: LabCorp Variant Classification Summary - May 2015. Collection method: clinical testing. Allele origin: germline.
Comment: Variant summary: BRCA1 c.3956G>A (p.Gly1319Asp) results in a non-conservative amino acid change in the encoded protein sequence. Four of five in-silico tools predict a benign effect of the variant on protein function. The variant was absent in 251252 control chromosomes. The available data on variant occurrences in the general population are insufficient to allow any conclusion about variant significance. To our knowledge, no occurrence of c.3956G>A in individuals affected with Hereditary Breast And Ovarian Cancer Syndrome and no experimental evidence demonstrating its impact on protein function have been reported. ClinVar contains an entry for this variant (Variation ID: 142673). Based on the evidence outlined above, the variant was classified as uncertain significance.

Labcorp Genetics (formerly Invitae), Labcorp
Classification: Uncertain significance for Hereditary breast ovarian cancer syndrome. Last evaluated: 2024-05-15. Review status: criteria provided, single submitter. Criteria: Invitae Variant Classification Sherloc (09022015). Collection method: clinical testing. Allele origin: germline.
Comment: This sequence change replaces glycine, which is neutral and non-polar, with aspartic acid, which is acidic and polar, at codon 1319 of the BRCA1 protein (p.Gly1319Asp). This variant is not present in population databases (gnomAD no frequency). This variant has not been reported in the literature in individuals affected with BRCA1-related conditions. ClinVar contains an entry for this variant (Variation ID: 142673). Advanced modeling of protein sequence and biophysical properties (such as structural, functional, and spatial information, amino acid conservation, physicochemical variation, residue mobility, and thermodynamic stability) performed at Invitae indicates that this missense variant is not expected to disrupt BRCA1 protein function with a negative predictive value of 95%. In summary, the available evidence is currently insufficient to determine the role of this variant in disease. Therefore, it has been classified as a Variant of Uncertain Significance.

University of Washington Department of Laboratory Medicine, University of Washington
Classification: Likely benign for Hereditary cancer-predisposing syndrome. Last evaluated: 2023-03-23. Review status: criteria provided, single submitter. Criteria: Dines et al. (Genet Med. 2020). Collection method: curation. Allele origin: germline.
Comment: Missense variant in a coldspot region where missense variants are very unlikely to be pathogenic (PMID:31911673).

BRCA1 coldspot (exon 11 using historical exon numbering). Reclassification based on statistical prior probability

Ambry Genetics
Classification: Likely benign for Hereditary cancer-predisposing syndrome. Last evaluated: 2022-04-05. Review status: criteria provided, single submitter. Criteria: Ambry Variant Classification Scheme 2023. Collection method: clinical testing. Allele origin: germline.